The following is an entry in ClinVar:

ClinVar aggregate classification (germline): Pathogenic (1 of 4 stars; one submission).

Conditions:
CHARGE syndrome (CHARGE). Also called: Hittner Hirsch Kreh syndrome; CHARGE ASSOCIATION--COLOBOMA, HEART ANOMALY, CHOANAL ATRESIA, RETARDATION, GENITAL AND EAR ANOMALIES; Coloboma, heart anomaly, choanal atresia, retardation, genital and ear anomalies; CHARGE association; Hall-Hittner syndrome. Identifiers: Orphanet 138, MedGen C0265354, MONDO:0008965.

Submission:

Labcorp Genetics (formerly Invitae), Labcorp
Classification: Pathogenic for CHARGE syndrome. Last evaluated: 2024-12-19. Review status: criteria provided, single submitter. Criteria: Invitae Variant Classification Sherloc (09022015). Collection method: clinical testing. Allele origin: germline.
Comment: This sequence change creates a premature translational stop signal (p.Asn1212Phefs*30) in the CHD7 gene. It is expected to result in an absent or disrupted protein product. Loss-of-function variants in CHD7 are known to be pathogenic (PMID: 22461308, 25077900). This variant is not present in population databases (gnomAD no frequency). This premature translational stop signal has been observed in individual(s) with CHD7-related conditions (PMID: 34671977). For these reasons, this variant has been classified as Pathogenic.

Literature cited by the submitters: PubMed 22461308; PubMed 25077900; PubMed 34671977.

NM_017780.4(CHD7):c.3634_3637del (p.Asn1212fs)

Gene: CHD7 (chromodomain helicase DNA binding protein 7; plus strand). Cytogenetic location: 8q12.2.
Variant type: Microsatellite.
Coding change: c.3634_3637del on transcript NM_017780.4 (MANE Select); coding-DNA positions 3634 to 3637, 4 bases deleted (AACA; older notation c.3634_3637delAACA).
Protein change: p.Asn1212fs; shifts the reading frame from asparagine 1212.
Molecular consequence: frameshift variant. On other transcripts: intron variant (1).
Genome position (GRCh38, 1-based): chr8:60,830,433-60,830,436, AACA deleted; deleting any 4 consecutive bases within chr8:60,830,429-60,830,436 gives the same sequence; the c. name uses the placement nearest the transcript's 3' end. VCF-style (leftmost placement, unchanged base first): chr8-60830428-TAACA-T. GRCh37 (hg19) VCF-style: chr8-61742987-TAACA-T.
Other names: c.1717-31796_1717-31793del (NM_001316690.1); short protein forms N1212fs.
Identifiers: ClinVar variation 3677067 (VCV003677067.2).